The following is an entry in ClinVar:

ClinVar aggregate classification (germline): Uncertain significance (0 of 4 stars; one submission).

Conditions:
HNRNPR-related disorder. Also called: HNRNPR-related condition.

Submission:

PreventionGenetics, part of Exact Sciences
Classification: Uncertain significance for HNRNPR-related condition. Last evaluated: 2024-01-26. Review status: no assertion criteria provided. Collection method: clinical testing. Allele origin: germline.
Comment: The HNRNPR c.235_236delGT variant is predicted to result in a frameshift and premature protein termination (p.Val79Thrfs*8). This variant is located in a differentially spliced exon and is intronic in other HNRNPR transcripts. To our knowledge, this variant has not been reported in the literature or in a large population database, indicating this variant is rare. Although we suspect that this variant may be pathogenic, at this time, the clinical significance of this variant is uncertain due to the absence of conclusive functional and genetic evidence.

NM_005826.5(HNRNPR):c.235_236del (p.Val79fs)

Gene: HNRNPR (heterogeneous nuclear ribonucleoprotein R; minus strand). Cytogenetic location: 1p36.12.
Variant type: Deletion.
Coding change: c.235_236del on transcript NM_005826.5 (MANE Select); coding-DNA positions 235 to 236, 2 bases deleted (GT; older notation c.235_236delGT).
Protein change: p.Val79fs; shifts the reading frame from valine 79.
Molecular consequence: frameshift variant. On other transcripts: 5 prime UTR variant (4).
Genome position (GRCh38, 1-based): chr1:23,338,530-23,338,531, AC deleted on the plus strand (GT on the coding strand, the reverse complement: HNRNPR is on the minus strand); deleting any 2 consecutive bases within chr1:23,338,530-23,338,532 gives the same sequence; the c. name uses the placement nearest the transcript's 3' end. VCF-style (leftmost placement, unchanged base first): chr1-23338529-TAC-T. GRCh37 (hg19) VCF-style: chr1-23665022-TAC-T.
Other names: c.-69_-68del (NM_001102397.3, NM_001102399.3, NM_001297621.2 and 1 more transcripts); c.235_236del, p.Val79fs (NM_001102398.3, NM_001297620.2); short protein forms V79fs.
Identifiers: ClinVar variation 3032983 (VCV003032983.2), dbSNP rs2524414697, ClinGen allele CA2740090621.